The following is an entry in ClinVar:

ClinVar aggregate classification (germline): Uncertain significance (1 of 4 stars; one submission).

Conditions:
Thrombophilia due to protein S deficiency, autosomal recessive (THPH6). Identifiers: Orphanet 743, MedGen C3281092, MONDO:0013791, OMIM 614514. Disease mechanism: loss of function.
Thrombophilia due to protein S deficiency, autosomal dominant (THPH5). Identifiers: Orphanet 26349, Orphanet 743, MedGen C3278211, MONDO:0012868, OMIM 612336. Disease mechanism: loss of function.

Submission:

Juno Genomics, Hangzhou Juno Genomics, Inc
Classification: Uncertain significance for Thrombophilia due to protein S deficiency, autosomal dominant; Thrombophilia due to protein S deficiency, autosomal recessive. Review status: criteria provided, single submitter. Criteria: ACMG Guidelines, 2015. Collection method: clinical testing. Allele origin: germline. Affected: yes.
Comment: Absent from controls (or at extremely low frequency if recessive) in Genome Aggregation Database, Exome Sequencing Project, 1000 Genomes Project, or Exome Aggregation Consortium.;Multiple lines of computational evidence support a deleterious effect on the gene or gene product (conservation, evolutionary, splicing impact, etc).

NM_000313.4(PROS1):c.815G>A (p.Gly272Glu)

Gene: PROS1 (protein S; minus strand). Cytogenetic location: 3q11.1.
Variant type: single nucleotide variant.
Coding change: c.815G>A on transcript NM_000313.4 (MANE Select); coding-DNA position 815, G replaced by A.
Protein change: p.Gly272Glu; replaces glycine 272 with glutamic acid.
Molecular consequence: missense variant.
Genome position (GRCh38, 1-based): chr3:93,898,482, C>T on the plus strand (G>A on the coding strand, the complement: PROS1 is on the minus strand). VCF-style: chr3-93898482-C-T. GRCh37 (hg19) VCF-style: chr3-93617326-C-T.
Other names: c.911G>A, p.Gly304Glu (NM_001314077.2); short protein forms G272E, G304E.
Identifiers: ClinVar variation 3382666 (VCV003382666.2).
Genomic context (GRCh38, chr3:93,898,482, plus strand): 5'-GAAGTTAAGCATTGTAAAATGTTTACCTCACAACTCTTCTGATCTTGGGCAAGTTTGAAT[C>T]CTTTCTTCCCATCACAATAGCAAGTGTAACCTCCAGGGTAATTGACACAAAGCTGAGCAC-3'
Protein context (NP_000304.2, residues 262-282): GYTCYCDGKK[Gly272Glu]FKLAQDQKSC